The following is an entry in ClinVar:

NM_004461.3(FARSA):c.1412T>C (p.Ile471Thr)

Gene: FARSA (phenylalanyl-tRNA synthetase subunit alpha; minus strand). Cytogenetic location: 19p13.13.
Variant type: single nucleotide variant.
Coding change: c.1412T>C on transcript NM_004461.3 (MANE Select); coding-DNA position 1412, T replaced by C.
Protein change: p.Ile471Thr; replaces isoleucine 471 with threonine.
Molecular consequence: missense variant.
Genome position (GRCh38, 1-based): chr19:12,922,863, A>G on the plus strand (T>C on the coding strand, the complement: FARSA is on the minus strand). VCF-style: chr19-12922863-A-G. GRCh37 (hg19) VCF-style: chr19-13033677-A-G.
Other names: short protein forms I471T.
Identifiers: ClinVar variation 3038545 (VCV003038545.2), dbSNP rs139040383, ClinGen allele CA9235002.

ClinVar aggregate classification (germline): Benign (0 of 4 stars; one submission).

Conditions:
FARSA-related disorder. Also called: FARSA-related condition.

Allele frequency attached by ClinVar (database versions not stated): ESP Exome Variant Server 0.00038; ExAC 0.00040; gnomAD 0.00041; TOPMed 0.00046.
gnomAD v4.1: 433 of 1,613,984 alleles (0.027%); highest among the groups gnomAD compares: Admixed American, 0.018%; no homozygotes.

Submission:

PreventionGenetics, part of Exact Sciences
Classification: Benign for FARSA-related condition. Last evaluated: 2019-05-28. Review status: no assertion criteria provided. Collection method: clinical testing. Allele origin: germline.
Comment: This variant is classified as benign based on ACMG/AMP sequence variant interpretation guidelines (Richards et al. 2015 PMID: 25741868, with internal and published modifications).